The following is an entry in ClinVar:

NM_000038.6(APC):c.2536T>C (p.Ser846Pro)

Gene: APC (APC regulator of Wnt signaling pathway; plus strand). Cytogenetic location: 5q22.2.
Variant type: single nucleotide variant.
Coding change: c.2536T>C on transcript NM_000038.6 (MANE Select); coding-DNA position 2536, T replaced by C.
Protein change: p.Ser846Pro; replaces serine 846 with proline.
Molecular consequence: missense variant. On other transcripts: non-coding transcript variant (2).
Genome position (GRCh38, 1-based): chr5:112,838,130, T>C. VCF-style: chr5-112838130-T-C. GRCh37 (hg19) VCF-style: chr5-112173827-T-C.
Other names: c.2536T>C, p.Ser846Pro (NM_001127510.3, NM_001354895.2, NM_001407450.1); c.2482T>C, p.Ser828Pro (NM_001127511.3); c.2590T>C, p.Ser864Pro (NM_001354896.2, NM_001407447.1, NM_001407448.1 and 1 more transcripts); c.2566T>C, p.Ser856Pro (NM_001354897.2); c.2461T>C, p.Ser821Pro (NM_001354898.2); c.2452T>C, p.Ser818Pro (NM_001354899.2); c.2413T>C, p.Ser805Pro (NM_001354900.2); c.2359T>C, p.Ser787Pro (NM_001354901.2, NM_001407453.1); and 11 more; short protein forms S563P, S821P, S839P, S856P, S462P, S686P, S763P, S805P.
Identifiers: ClinVar variation 3881344 (VCV003881344.1).

ClinVar aggregate classification (germline): Uncertain significance (1 of 4 stars; one submission).

Conditions:
Hereditary cancer-predisposing syndrome. Also called: Tumor predisposition; Neoplastic Syndromes, Hereditary; Hereditary Cancer Syndrome; Hereditary neoplastic syndrome. Identifiers: Orphanet 140162, MedGen C0027672, MeSH D009386, MONDO:0015356.

Submission:

Ambry Genetics
Classification: Uncertain significance for Hereditary cancer-predisposing syndrome. Last evaluated: 2024-12-20. Review status: criteria provided, single submitter. Criteria: Ambry Variant Classification Scheme 2023. Collection method: clinical testing. Allele origin: germline.
Comment: The p.S846P variant (also known as c.2536T>C), located in coding exon 15 of the APC gene, results from a T to C substitution at nucleotide position 2536. The serine at codon 846 is replaced by proline, an amino acid with similar properties. This amino acid position is conserved. In addition, in silico predictors for this gene do not accurately predict pathogenicity. Based on the available evidence, the clinical significance of this variant remains unclear.